The following is an entry in ClinVar:

ClinVar aggregate classification (germline): Uncertain significance (1 of 4 stars; one submission).

Conditions:
Hyperphosphatasia with impaired intellectual development syndrome 2. Also called: Hyperphosphatasia with intellectual disability syndrome 2; GLYCOSYLPHOSPHATIDYLINOSITOL BIOSYNTHESIS DEFECT 6. Identifiers: Orphanet 247262, MedGen C3553637, MONDO:0013882, OMIM 614749.

Allele frequency attached by ClinVar (database versions not stated): TOPMed below 0.00001.

Submission:

Labcorp Genetics (formerly Invitae), Labcorp
Classification: Uncertain significance for Hyperphosphatasia with impaired intellectual development syndrome 2. Last evaluated: 2021-08-31. Review status: criteria provided, single submitter. Criteria: Invitae Variant Classification Sherloc (09022015). Collection method: clinical testing. Allele origin: germline.
Comment: This sequence change replaces glutamic acid with glutamine at codon 644 of the PIGO protein (p.Glu644Gln). The glutamic acid residue is highly conserved and there is a small physicochemical difference between glutamic acid and glutamine. This variant is not present in population databases (ExAC no frequency). This variant has not been reported in the literature in individuals affected with PIGO-related conditions. Algorithms developed to predict the effect of missense changes on protein structure and function (SIFT, PolyPhen-2, Align-GVGD) all suggest that this variant is likely to be disruptive. In summary, the available evidence is currently insufficient to determine the role of this variant in disease. Therefore, it has been classified as a Variant of Uncertain Significance.

NM_032634.4(PIGO):c.1930G>C (p.Glu644Gln)

Gene: PIGO (phosphatidylinositol glycan anchor biosynthesis class O; minus strand). Cytogenetic location: 9p13.3.
Variant type: single nucleotide variant.
Coding change: c.1930G>C on transcript NM_032634.4 (MANE Select); coding-DNA position 1930, G replaced by C.
Protein change: p.Glu644Gln; replaces glutamic acid 644 with glutamine.
Molecular consequence: missense variant. On other transcripts: intron variant (2).
Genome position (GRCh38, 1-based): chr9:35,091,957, C>G on the plus strand (G>C on the coding strand, the complement: PIGO is on the minus strand). VCF-style: chr9-35091957-C-G. GRCh37 (hg19) VCF-style: chr9-35091954-C-G.
Other names: c.1344+586G>C (NM_152850.4, NM_001201484.2); short protein forms E644Q.
Identifiers: ClinVar variation 961108 (VCV000961108.7), dbSNP rs1237579146, ClinGen allele CA373321128.
Genomic context (GRCh38, chr9:35,091,957, plus strand): 5'-GACCACCCACCATGGATGCCAGAGGACTCAGCCAGGGAGAGGAGTGGCAAACAGGTGTCT[C>G]TTCAGGGCAACGATGAAAAAGCCCAGCTAGCCTTGTACATAAAAGCAACCCAATTCCAAG-3'
Protein context (NP_116023.2, residues 634-654): LAGLFHRCPE[Glu644Gln]TPVCHSSPWL